The following is an entry in ClinVar:

ClinVar aggregate classification (germline): Likely pathogenic. Review status: criteria provided, multiple submitters, no conflicts (2 of 4 stars). 2 submissions from 2 submitters: Likely pathogenic (2). Last evaluated 2024-03-27.

Conditions:
Combined malonic and methylmalonic acidemia. Identifiers: Orphanet 289504, MedGen C3280314, MONDO:0013661, OMIM 614265.

Allele frequency attached by ClinVar (database versions not stated): ESP Exome Variant Server 0.00008.

Submissions (2):

Baylor Genetics
Classification: Likely pathogenic for Combined malonic and methylmalonic acidemia. Last evaluated: 2024-03-27. Review status: criteria provided, single submitter. Criteria: ACMG Guidelines, 2015. Collection method: clinical testing. Allele origin: unknown.

Labcorp Genetics (formerly Invitae), Labcorp
Classification: Likely pathogenic for Combined malonic and methylmalonic acidemia. Last evaluated: 2021-09-25. Review status: criteria provided, single submitter. Criteria: Invitae Variant Classification Sherloc (09022015). Collection method: clinical testing. Allele origin: germline.
Comment: In summary, the currently available evidence indicates that the variant is pathogenic, but additional data are needed to prove that conclusively. Therefore, this variant has been classified as Likely Pathogenic. Algorithms developed to predict the effect of sequence changes on RNA splicing suggest that this variant may disrupt the consensus splice site. This variant has not been reported in the literature in individuals affected with ACSF3-related conditions. This variant is not present in population databases (ExAC no frequency). This sequence change affects a donor splice site in intron 5 of the ACSF3 gene. It is expected to disrupt RNA splicing. Variants that disrupt the donor or acceptor splice site typically lead to a loss of protein function (PMID: 16199547), and loss-of-function variants in ACSF3 are known to be pathogenic (PMID: 21841779, 26827111).

Literature cited by the submitters: PubMed 16199547 (cited by Labcorp Genetics (formerly Invitae), Labcorp); PubMed 21841779 (cited by Labcorp Genetics (formerly Invitae), Labcorp); PubMed 26827111 (cited by Labcorp Genetics (formerly Invitae), Labcorp).

NM_001243279.3(ACSF3):c.977+1G>C

Gene: ACSF3 (acyl-CoA synthetase family member 3; plus strand). Cytogenetic location: 16q24.3.
Variant type: single nucleotide variant.
Coding change: c.977+1G>C on transcript NM_001243279.3 (MANE Select); the canonical splice donor site of the intron after coding-DNA position 977, G replaced by C.
Molecular consequence: splice donor variant.
Genome position (GRCh38, 1-based): chr16:89,112,247, G>C. VCF-style: chr16-89112247-G-C. GRCh37 (hg19) VCF-style: chr16-89178655-G-C.
Other names: c.977+1G>C (NM_001127214.4, NM_174917.5); c.182+1G>C (NM_001284316.2).
Identifiers: ClinVar variation 1523766 (VCV001523766.8), dbSNP rs141056046, ClinGen allele CA286462724.